The following is an entry in ClinVar:

ClinVar aggregate classification (germline): Likely pathogenic (1 of 4 stars; one submission).

Conditions:
Neurodevelopmental disorder with nonspecific brain abnormalities and with or without seizures. Identifiers: MedGen C5231470, MONDO:0032877, OMIM 618709.

Submission:

3billion
Classification: Likely pathogenic for Neurodevelopmental disorder with nonspecific brain abnormalities and with or without seizures. Last evaluated: 2025-11-25. Review status: criteria provided, single submitter. Criteria: ACMG Guidelines, 2015. Collection method: clinical testing. Allele origin: germline. Affected: yes.
Comment: The variant is not observed in the gnomAD v4.1.0 dataset. Predicted Consequence/Location: Frameshift: predicted to result in a loss or disruption of normal protein function through nonsense-mediated decay (NMD) or protein truncation. Multiple pathogenic variants are reported downstream of the variant. Therefore, this variant is classified as Likely pathogenic according to the recommendation of ACMG/AMP guideline.

NM_005618.4(DLL1):c.1486_1504del (p.Cys496fs)

Gene: DLL1 (delta like canonical Notch ligand 1; minus strand). Cytogenetic location: 6q27.
Variant type: Deletion.
Coding change: c.1486_1504del on transcript NM_005618.4 (MANE Select); coding-DNA positions 1486 to 1504, 19 bases deleted (TGCCACGAGAGGGGCCACC).
Protein change: p.Cys496fs; shifts the reading frame from cysteine 496.
Molecular consequence: frameshift variant.
Genome position (GRCh38, 1-based): chr6:170,283,775-170,283,793, GGTGGCCCCTCTCGTGGCA deleted on the plus strand (TGCCACGAGAGGGGCCACC on the coding strand, the reverse complement: DLL1 is on the minus strand); deleting any 19 consecutive bases within chr6:170,283,775-170,283,802 gives the same sequence; the c. name uses the placement nearest the transcript's 3' end. VCF-style (leftmost placement, unchanged base first): chr6-170283774-CGGTGGCCCCTCTCGTGGCA-C. GRCh37 (hg19) VCF-style: chr6-170592862-CGGTGGCCCCTCTCGTGGCA-C.
Other names: short protein forms C496fs.
Identifiers: ClinVar variation 4855043 (VCV004855043.1).
Genomic context (GRCh38, chr6:170,283,774, plus strand): 5'-TCGGGGAGCAGGAACTGGCAGTTGGGACCCCCGTAGCCTCGGGCACACTCGCACACATAG[CGGTGGCCCCTCTCGTGGCA>C]GGTGGCCCCATTGTGGCAGGGTGCGTGCTCGCACCTGCTGACGGGGGCACTGCAGTTCCT-3'